The following is an entry in ClinVar:

NM_001558.4(IL10RA):c.1631A>T (p.Asp544Val)

Gene: IL10RA (interleukin 10 receptor subunit alpha; plus strand). Cytogenetic location: 11q23.3.
Variant type: single nucleotide variant.
Coding change: c.1631A>T on transcript NM_001558.4 (MANE Select); coding-DNA position 1631, A replaced by T.
Protein change: p.Asp544Val; replaces aspartic acid 544 with valine.
Molecular consequence: missense variant. On other transcripts: non-coding transcript variant (1).
Genome position (GRCh38, 1-based): chr11:117,999,535, A>T. VCF-style: chr11-117999535-A-T. GRCh37 (hg19) VCF-style: chr11-117870250-A-T.
Other names: short protein forms D544V.
Identifiers: ClinVar variation 639004 (VCV000639004.9), dbSNP rs550530605, ClinGen allele CA6299217.

ClinVar aggregate classification (germline): Uncertain significance. Review status: criteria provided, multiple submitters, no conflicts (2 of 4 stars). 2 submissions from 2 submitters: Uncertain significance (2). Last evaluated 2025-01-13.

Conditions:
Inflammatory bowel disease 28. Also called: Inflammatory bowel disease 28, early onset, autosomal recessive. Identifiers: Orphanet 238569, MedGen C2751053, MONDO:0013153, OMIM 613148.

Allele frequency attached by ClinVar (database versions not stated): gnomAD 0.00001 and 0.00002; gnomAD exomes 0.00001 and 0.00004; TOPMed 0.00002; ExAC 0.00005; 1000 Genomes Project 30x 0.00031; 1000 Genomes Project 0.00040.

Submissions (2):

Labcorp Genetics (formerly Invitae), Labcorp
Classification: Uncertain significance for Inflammatory bowel disease 28. Last evaluated: 2025-01-13. Review status: criteria provided, single submitter. Criteria: Invitae Variant Classification Sherloc (09022015). Collection method: clinical testing. Allele origin: germline.
Comment: This sequence change replaces aspartic acid, which is acidic and polar, with valine, which is neutral and non-polar, at codon 544 of the IL10RA protein (p.Asp544Val). This variant is present in population databases (rs550530605, gnomAD 0.04%). This variant has not been reported in the literature in individuals affected with IL10RA-related conditions. ClinVar contains an entry for this variant (Variation ID: 639004). Invitae Evidence Modeling of protein sequence and biophysical properties (such as structural, functional, and spatial information, amino acid conservation, physicochemical variation, residue mobility, and thermodynamic stability) indicates that this missense variant is not expected to disrupt IL10RA protein function with a negative predictive value of 80%. In summary, the available evidence is currently insufficient to determine the role of this variant in disease. Therefore, it has been classified as a Variant of Uncertain Significance.

Fulgent Genetics
Classification: Uncertain significance for Inflammatory bowel disease 28. Last evaluated: 2024-05-09. Review status: criteria provided, single submitter. Criteria: ACMG Guidelines, 2015. Collection method: clinical testing. Allele origin: germline.